The following is an entry in ClinVar:

NM_000398.7(CYB5R3):c.734-8C>T

Gene: CYB5R3 (cytochrome b5 reductase 3; minus strand). Cytogenetic location: 22q13.2.
Variant type: single nucleotide variant.
Coding change: c.734-8C>T on transcript NM_000398.7 (MANE Select); 8 bases into the intron before coding-DNA position 734, C replaced by T.
Molecular consequence: intron variant.
Genome position (GRCh38, 1-based): chr22:42,619,953, G>A on the plus strand (C>T on the coding strand, the complement: CYB5R3 is on the minus strand). VCF-style: chr22-42619953-G-A. GRCh37 (hg19) VCF-style: chr22-43015959-G-A.
Other names: c.665-8C>T (NM_007326.4, NM_001171661.1, NM_001129819.2); c.833-8C>T (NM_001171660.2).
Identifiers: ClinVar variation 708160 (VCV000708160.44), dbSNP rs371034075, ClinGen allele CA10269592.

ClinVar aggregate classification (germline): Likely benign. Review status: criteria provided, multiple submitters, no conflicts (2 of 4 stars). 4 submissions from 4 submitters: Likely benign (4). Last evaluated 2025-12-22.

Allele frequency attached by ClinVar (database versions not stated): gnomAD 0.00038; ExAC 0.00040; gnomAD exomes 0.00049 and 0.00086; ESP Exome Variant Server 0.00077.
gnomAD v4.1: 1,314 of 1,591,450 alleles (0.083%); highest among the groups gnomAD compares: Non-Finnish European, 0.11%; 1 homozygote.

Submissions (4):

Labcorp Genetics (formerly Invitae), Labcorp
Classification: Likely benign. Last evaluated: 2025-12-22. Review status: criteria provided, single submitter. Criteria: Invitae Variant Classification Sherloc (09022015). Collection method: clinical testing. Allele origin: germline.

ARUP Laboratories, Molecular Genetics and Genomics, ARUP Laboratories
Classification: Likely benign. Last evaluated: 2024-08-30. Review status: criteria provided, single submitter. Criteria: ARUP Molecular Germline Variant Investigation Process 2024. Collection method: clinical testing. Allele origin: germline.

Blueprint Genetics
Classification: Likely benign. Last evaluated: 2024-08-12. Review status: criteria provided, single submitter. Criteria: ACMG Guidelines, 2015. Collection method: clinical testing. Allele origin: germline.

CeGaT Center for Human Genetics Tuebingen
Classification: Likely benign. Last evaluated: 2023-09-01. Review status: criteria provided, single submitter. Criteria: CeGaT Center For Human Genetics Tuebingen Variant Classification Criteria Version 2. Collection method: clinical testing. Allele origin: germline. Affected: yes. Observed: 1 variant allele.
Comment: CYB5R3: BP4